The following is an entry in ClinVar:

NM_001429.4(EP300):c.5958G>A (p.Pro1986=)

Gene: EP300 (EP300 lysine acetyltransferase; plus strand). Cytogenetic location: 22q13.2.
Variant type: single nucleotide variant.
Coding change: c.5958G>A on transcript NM_001429.4 (MANE Select); coding-DNA position 5958, G replaced by A.
Protein change: p.Pro1986=; no amino-acid change (proline 1986 retained).
Molecular consequence: synonymous variant.
Genome position (GRCh38, 1-based): chr22:41,177,669, G>A. VCF-style: chr22-41177669-G-A. GRCh37 (hg19) VCF-style: chr22-41573673-G-A.
Other names: c.5880G>A, p.Pro1960= (NM_001362843.2); c.5958G>A (NM_001429.3).
Identifiers: ClinVar variation 1971090 (VCV001971090.8), dbSNP rs147863486, ClinGen allele CA10253743.

ClinVar aggregate classification (germline): Likely benign. Review status: criteria provided, multiple submitters, no conflicts (2 of 4 stars). 3 submissions from 3 submitters: Likely benign (2). 1 of the submissions does not count toward it. Last evaluated 2025-03-13.

Conditions:
EP300-related disorder. Also called: EP300-related disorders; EP300-related condition.
Rubinstein-Taybi syndrome due to EP300 haploinsufficiency. Also called: EP300-Related Rubinstein-Taybi Syndrome; RUBINSTEIN-TAYBI SYNDROME 2. Identifiers: Orphanet 353284, Orphanet 783, MedGen C3150941, MONDO:0013364, OMIM 613684.

Allele frequency attached by ClinVar (database versions not stated): gnomAD 0.00003; TOPMed 0.00006; ESP Exome Variant Server 0.00015.
gnomAD v4.1: 38 of 1,613,784 alleles (0.0024%); highest among the groups gnomAD compares: Admixed American, 0.013%; no homozygotes.

Submissions (3):

Labcorp Genetics (formerly Invitae), Labcorp
Classification: Likely benign for Rubinstein-Taybi syndrome due to EP300 haploinsufficiency. Last evaluated: 2025-03-13. Review status: criteria provided, single submitter. Criteria: Invitae Variant Classification Sherloc (09022015). Collection method: clinical testing. Allele origin: germline.

Blueprint Genetics
Classification: Likely benign. Last evaluated: 2024-01-31. Review status: criteria provided, single submitter. Criteria: ACMG Guidelines, 2015. Collection method: clinical testing. Allele origin: germline.

PreventionGenetics, part of Exact Sciences
Classification: Likely benign for EP300-related condition. Last evaluated: 2022-10-04. Review status: no assertion criteria provided. Collection method: clinical testing. Allele origin: germline. Not counted in ClinVar's aggregate classification.
Comment: This variant is classified as likely benign based on ACMG/AMP sequence variant interpretation guidelines (Richards et al. 2015 PMID: 25741868, with internal and published modifications).